The following is an entry in ClinVar:

NM_001270508.2(TNFAIP3):c.1753G>A (p.Asp585Asn)

Gene: TNFAIP3 (TNF alpha induced protein 3; plus strand). Cytogenetic location: 6q23.3.
Variant type: single nucleotide variant.
Coding change: c.1753G>A on transcript NM_001270508.2 (MANE Select); coding-DNA position 1753, G replaced by A.
Protein change: p.Asp585Asn; replaces aspartic acid 585 with asparagine.
Molecular consequence: missense variant.
Genome position (GRCh38, 1-based): chr6:137,879,198, G>A. VCF-style: chr6-137879198-G-A. GRCh37 (hg19) VCF-style: chr6-138200335-G-A.
Other names: c.1753G>A, p.Asp585Asn (NM_001270507.2, NM_006290.4); c.1753G>A (NM_006290.2, NM_006290.3); short protein forms D585N.
Identifiers: ClinVar variation 2171326 (VCV002171326.8), dbSNP rs190199205, ClinGen allele CA4019695.

ClinVar aggregate classification (germline): Uncertain significance. Review status: criteria provided, multiple submitters, no conflicts (2 of 4 stars). 5 submissions from 5 submitters: Uncertain significance (4). 1 of the submissions does not count toward it. Last evaluated 2025-06-09.

Conditions:
Inborn genetic diseases. Identifiers: MedGen C0950123, MeSH D030342.
TNFAIP3-related disorder. Also called: TNFAIP3-related condition.

Allele frequency attached by ClinVar (database versions not stated): gnomAD 0.00001; gnomAD exomes 0.00001; ExAC 0.00002; TOPMed 0.00002; 1000 Genomes Project 30x 0.00016; 1000 Genomes Project 0.00020.
gnomAD v4.1: 22 of 1,614,130 alleles (0.0014%); highest among the groups gnomAD compares: African/African-American, 0.0027%; no homozygotes.

Submissions (5):

Labcorp Genetics (formerly Invitae), Labcorp
Classification: Uncertain significance. Last evaluated: 2025-06-09. Review status: criteria provided, single submitter. Criteria: Invitae Variant Classification Sherloc (09022015). Collection method: clinical testing. Allele origin: germline.
Comment: This sequence change replaces aspartic acid, which is acidic and polar, with asparagine, which is neutral and polar, at codon 585 of the TNFAIP3 protein (p.Asp585Asn). This variant is present in population databases (rs190199205, gnomAD 0.007%). This variant has not been reported in the literature in individuals affected with TNFAIP3-related conditions. ClinVar contains an entry for this variant (Variation ID: 2171326). Invitae Evidence Modeling of protein sequence and biophysical properties (such as structural, functional, and spatial information, amino acid conservation, physicochemical variation, residue mobility, and thermodynamic stability) indicates that this missense variant is not expected to disrupt TNFAIP3 protein function with a negative predictive value of 80%. In summary, the available evidence is currently insufficient to determine the role of this variant in disease. Therefore, it has been classified as a Variant of Uncertain Significance.

Blueprint Genetics
Classification: Uncertain significance. Last evaluated: 2024-02-07. Review status: criteria provided, single submitter. Criteria: ACMG Guidelines, 2015. Collection method: clinical testing. Allele origin: germline.

GeneDx
Classification: Uncertain significance. Last evaluated: 2023-10-15. Review status: criteria provided, single submitter. Criteria: GeneDx Variant Classification Process June 2021. Collection method: clinical testing. Allele origin: germline. Affected: yes.
Comment: In silico analysis supports that this missense variant does not alter protein structure/function; Has not been previously published as pathogenic or benign to our knowledge

Ambry Genetics
Classification: Uncertain significance for Inborn genetic diseases. Last evaluated: 2022-09-27. Review status: criteria provided, single submitter. Criteria: Ambry Variant Classification Scheme 2023. Collection method: clinical testing. Allele origin: germline.

PreventionGenetics, part of Exact Sciences
Classification: Uncertain significance for TNFAIP3-related condition. Last evaluated: 2024-08-31. Review status: no assertion criteria provided. Collection method: clinical testing. Allele origin: germline. Not counted in ClinVar's aggregate classification.
Comment: The TNFAIP3 c.1753G>A variant is predicted to result in the amino acid substitution p.Asp585Asn. To our knowledge, this variant has not been reported in the literature. This variant is reported in 0.0062% of alleles in individuals of African descent in gnomAD. At this time, the clinical significance of this variant is uncertain due to the absence of conclusive functional and genetic evidence.